The following is an entry in ClinVar:

ClinVar aggregate classification (germline): Uncertain significance (1 of 4 stars; one submission).

Submission:

Labcorp Genetics (formerly Invitae), Labcorp
Classification: Uncertain significance. Last evaluated: 2022-04-18. Review status: criteria provided, single submitter. Criteria: Invitae Variant Classification Sherloc (09022015). Collection method: clinical testing. Allele origin: germline.
Comment: This variant has not been reported in the literature in individuals affected with MYO18B-related conditions. This variant is present in population databases (no rsID available, gnomAD 0.004%). This sequence change replaces methionine, which is neutral and non-polar, with valine, which is neutral and non-polar, at codon 1264 of the MYO18B protein (p.Met1264Val). Algorithms developed to predict the effect of missense changes on protein structure and function output the following: SIFT: "Not Available"; PolyPhen-2: "Benign"; Align-GVGD: "Not Available". The valine amino acid residue is found in multiple mammalian species, which suggests that this missense change does not adversely affect protein function. In summary, the available evidence is currently insufficient to determine the role of this variant in disease. Therefore, it has been classified as a Variant of Uncertain Significance.

NM_032608.7(MYO18B):c.3790A>G (p.Met1264Val)

Gene: MYO18B (myosin XVIIIB; plus strand). Cytogenetic location: 22q12.1.
Variant type: single nucleotide variant.
Coding change: c.3790A>G on transcript NM_032608.7 (MANE Select); coding-DNA position 3790, A replaced by G.
Protein change: p.Met1264Val; replaces methionine 1264 with valine.
Molecular consequence: missense variant.
Genome position (GRCh38, 1-based): chr22:25,851,484, A>G. VCF-style: chr22-25851484-A-G. GRCh37 (hg19) VCF-style: chr22-26247451-A-G.
Other names: c.3793A>G, p.Met1265Val (NM_001318245.2); short protein forms M1265V, M1264V.
Identifiers: ClinVar variation 1494888 (VCV001494888.4), dbSNP rs749827124, ClinGen allele CA411002590.